The following is an entry in ClinVar:

ClinVar aggregate classification (germline): Likely pathogenic. Review status: criteria provided, single submitter (1 of 4 stars). 2 submissions from 2 submitters: Likely pathogenic (1). 1 of the submissions does not count toward it. Last evaluated 2021-04-16.

Conditions:
Achondrogenesis, type IA (ACG1A). Identifiers: Orphanet 932, Orphanet 93299, MedGen C0265273, MONDO:0008701, OMIM 200600.

Allele frequency attached by ClinVar (database versions not stated): gnomAD exomes 0.00001.
gnomAD v4.1: 7 of 1,606,276 alleles (0.00044%); highest among the groups gnomAD compares: Non-Finnish European, 0.0006%; no homozygotes.

Submissions (2):

Labcorp Genetics (formerly Invitae), Labcorp
Classification: Likely pathogenic for Achondrogenesis, type IA. Last evaluated: 2021-04-16. Review status: criteria provided, single submitter. Criteria: Invitae Variant Classification Sherloc (09022015). Collection method: clinical testing. Allele origin: germline.
Comment: In summary, the currently available evidence indicates that the variant is pathogenic, but additional data are needed to prove that conclusively. Therefore, this variant has been classified as Likely Pathogenic. Experimental studies and prediction algorithms are not available or were not evaluated, and the effect of this variant on mRNA splicing is currently unknown. This variant has been observed in individual(s) with clinical features of TRIP11-related conditions (PMID: 20089971). ClinVar contains an entry for this variant (Variation ID: 5510). This variant is not present in population databases (ExAC no frequency). This sequence change affects an acceptor splice site in intron 2 of the TRIP11 gene. It is expected to disrupt RNA splicing. Variants that disrupt the donor or acceptor splice site typically lead to a loss of protein function (PMID: 16199547), and loss-of-function variants in TRIP11 are known to be pathogenic (PMID: 20089971, 23956106).

OMIM
Classification: Pathogenic for ACHONDROGENESIS, TYPE IA. Last evaluated: 2010-01-21. Review status: no assertion criteria provided. Collection method: literature only. Allele origin: germline. Not counted in ClinVar's aggregate classification.

Literature cited by the submitters: PubMed 20089971 (cited by Labcorp Genetics (formerly Invitae), Labcorp and OMIM); PubMed 16199547 (cited by Labcorp Genetics (formerly Invitae), Labcorp); PubMed 23956106 (cited by Labcorp Genetics (formerly Invitae), Labcorp).

NM_004239.4(TRIP11):c.202-2A>G

Gene: TRIP11 (thyroid hormone receptor interactor 11; minus strand). Cytogenetic location: 14q32.12.
Variant type: single nucleotide variant.
Coding change: c.202-2A>G on transcript NM_004239.4 (MANE Select); the canonical splice acceptor site of the intron before coding-DNA position 202, A replaced by G.
Molecular consequence: splice acceptor variant.
Genome position (GRCh38, 1-based): chr14:92,025,422, T>C on the plus strand (A>G on the coding strand, the complement: TRIP11 is on the minus strand). VCF-style: chr14-92025422-T-C. GRCh37 (hg19) VCF-style: chr14-92491766-T-C.
Other names: IVS2AS, A-G, -2; c.199-2A>G (NM_001321851.1).
Identifiers: ClinVar variation 5510 (VCV000005510.9), dbSNP rs863223281, ClinGen allele CA278859.